The following is an entry in ClinVar:

ClinVar aggregate classification (germline): Conflicting classifications of pathogenicity. Review status: criteria provided, conflicting classifications (1 of 4 stars). 4 submissions from 4 submitters: Uncertain significance (2); Benign (1); Likely benign (1). Last evaluated 2026-09-30.

Conditions:
Primary ciliary dyskinesia 7. Also called: CILIARY DYSKINESIA, PRIMARY, 7, WITH OR WITHOUT SITUS INVERSUS. Identifiers: Orphanet 244, MedGen C2678473, MONDO:0012748, OMIM 611884.
Primary ciliary dyskinesia. Also called: Ciliary dyskinesia. Identifiers: Orphanet 244, MedGen C0008780, MONDO:0016575, HP:0012265.

Allele frequency attached by ClinVar (database versions not stated): gnomAD exomes 0.00005 and 0.00010; gnomAD 0.00046; ESP Exome Variant Server 0.00033; 1000 Genomes Project 0.00080; 1000 Genomes Project 30x 0.00094; ExAC 0.00012; TOPMed 0.00049.
gnomAD v4.1: 145 of 1,613,938 alleles (0.009%); highest among the groups gnomAD compares: African/African-American, 0.17%; no homozygotes.

Submissions (4):

GeneDx
Classification: Uncertain significance. Last evaluated: 2026-09-30. Review status: criteria provided, single submitter. Criteria: GeneDx Variant Classification Process June 2021. Collection method: clinical testing. Allele origin: germline.
Comment: In silico analysis supports that this missense variant has a deleterious effect on protein structure/function; Has not been previously published as pathogenic or benign to our knowledge

Labcorp Genetics (formerly Invitae), Labcorp
Classification: Benign for Primary ciliary dyskinesia. Last evaluated: 2026-01-01. Review status: criteria provided, single submitter. Criteria: Invitae Variant Classification Sherloc (09022015). Collection method: clinical testing. Allele origin: germline.

Ambry Genetics
Classification: Likely benign for Primary ciliary dyskinesia. Last evaluated: 2022-06-10. Review status: criteria provided, single submitter. Criteria: Ambry Variant Classification Scheme 2023. Collection method: clinical testing. Allele origin: germline.

Fulgent Genetics
Classification: Uncertain significance for Primary ciliary dyskinesia 7. Last evaluated: 2022-02-21. Review status: criteria provided, single submitter. Criteria: ACMG Guidelines, 2015. Collection method: clinical testing. Allele origin: unknown.

NM_001277115.2(DNAH11):c.7553T>C (p.Val2518Ala)

Gene: DNAH11 (dynein axonemal heavy chain 11; plus strand). Cytogenetic location: 7p15.3.
Variant type: single nucleotide variant.
Coding change: c.7553T>C on transcript NM_001277115.2 (MANE Select); coding-DNA position 7553, T replaced by C.
Protein change: p.Val2518Ala; replaces valine 2518 with alanine.
Molecular consequence: missense variant.
Genome position (GRCh38, 1-based): chr7:21,735,752, T>C. VCF-style: chr7-21735752-T-C. GRCh37 (hg19) VCF-style: chr7-21775370-T-C.
Other names: short protein forms V2518A.
Identifiers: ClinVar variation 359652 (VCV000359652.18), dbSNP rs141807661, ClinGen allele CA4181262.